The following is an entry in ClinVar:

NM_003458.4(BSN):c.9561C>T (p.Ser3187=)

Gene: BSN (bassoon presynaptic cytomatrix protein; plus strand). Cytogenetic location: 3p21.31.
Variant type: single nucleotide variant.
Coding change: c.9561C>T on transcript NM_003458.4 (MANE Select); coding-DNA position 9561, C replaced by T.
Protein change: p.Ser3187=; no amino-acid change (serine 3187 retained).
Molecular consequence: synonymous variant.
Genome position (GRCh38, 1-based): chr3:49,661,406, C>T. VCF-style: chr3-49661406-C-T. GRCh37 (hg19) VCF-style: chr3-49698839-C-T.
Identifiers: ClinVar variation 3053150 (VCV003053150.2), dbSNP rs141724159, ClinGen allele CA2401079.

ClinVar aggregate classification (germline): Likely benign (0 of 4 stars; one submission).

Conditions:
BSN-related disorder. Also called: BSN-related condition.

Allele frequency attached by ClinVar (database versions not stated): 1000 Genomes Project 0.00020; ESP Exome Variant Server 0.00023; ExAC 0.00029; gnomAD 0.00030; 1000 Genomes Project 30x 0.00031; TOPMed 0.00031; gnomAD exomes 0.00071.
gnomAD v4.1: 1,064 of 1,613,974 alleles (0.066%); highest among the groups gnomAD compares: Non-Finnish European, 0.086%; 2 homozygotes.

Submission:

PreventionGenetics, part of Exact Sciences
Classification: Likely benign for BSN-related condition. Last evaluated: 2019-09-05. Review status: no assertion criteria provided. Collection method: clinical testing. Allele origin: germline.
Comment: This variant is classified as likely benign based on ACMG/AMP sequence variant interpretation guidelines (Richards et al. 2015 PMID: 25741868, with internal and published modifications).